The following is an entry in ClinVar:

ClinVar aggregate classification (germline): Uncertain significance (1 of 4 stars; one submission).

Conditions:
Spinocerebellar ataxia, autosomal recessive, with axonal neuropathy 2 (SCAN2). Also called: Ataxia with Oculomotor Apraxia Type 2; Ataxia with Oculomotor Apraxia; ATAXIA-OCULOMOTOR APRAXIA 2; Ataxia-ocular apraxia-2. Identifiers: Orphanet 64753, MedGen C1853761, MONDO:0018996, OMIM 606002.
Amyotrophic lateral sclerosis type 4 (ALS4). Also called: AMYOTROPHIC LATERAL SCLEROSIS 4, JUVENILE; NEURONOPATHY, DISTAL HEREDITARY MOTOR, WITH PYRAMIDAL FEATURES. Identifiers: Orphanet 357043, MedGen C1865409, MONDO:0011223, OMIM 602433.

Allele frequency attached by ClinVar (database versions not stated): gnomAD exomes below 0.00001; gnomAD 0.00001; TOPMed 0.00001.
gnomAD v4.1: 2 of 1,613,802 alleles (0.00012%); highest among the groups gnomAD compares: Admixed American, 0.0017%; no homozygotes.

Submission:

Labcorp Genetics (formerly Invitae), Labcorp
Classification: Uncertain significance for Amyotrophic lateral sclerosis type 4; Spinocerebellar ataxia, autosomal recessive, with axonal neuropathy 2. Last evaluated: 2021-12-02. Review status: criteria provided, single submitter. Criteria: Invitae Variant Classification Sherloc (09022015). Collection method: clinical testing. Allele origin: germline.
Comment: In summary, the available evidence is currently insufficient to determine the role of this variant in disease. Therefore, it has been classified as a Variant of Uncertain Significance. Advanced modeling of protein sequence and biophysical properties (such as structural, functional, and spatial information, amino acid conservation, physicochemical variation, residue mobility, and thermodynamic stability) performed at Invitae indicates that this missense variant is not expected to disrupt SETX protein function. This variant has not been reported in the literature in individuals affected with SETX-related conditions. This variant is not present in population databases (gnomAD no frequency). This sequence change replaces lysine, which is basic and polar, with asparagine, which is neutral and polar, at codon 1032 of the SETX protein (p.Lys1032Asn).

NM_015046.7(SETX):c.3096A>T (p.Lys1032Asn)

Gene: SETX (senataxin; minus strand). Cytogenetic location: 9q34.13.
Variant type: single nucleotide variant.
Coding change: c.3096A>T on transcript NM_015046.7 (MANE Select); coding-DNA position 3096, A replaced by T.
Protein change: p.Lys1032Asn; replaces lysine 1032 with asparagine.
Molecular consequence: missense variant.
Genome position (GRCh38, 1-based): chr9:132,328,502, T>A on the plus strand (A>T on the coding strand, the complement: SETX is on the minus strand). VCF-style: chr9-132328502-T-A. GRCh37 (hg19) VCF-style: chr9-135203889-T-A.
Other names: c.3096A>T, p.Lys1032Asn (NM_001351527.2, NM_001351528.2); short protein forms K1032N.
Identifiers: ClinVar variation 1519700 (VCV001519700.6), dbSNP rs1846998334, ClinGen allele CA375332391.
Genomic context (GRCh38, chr9:132,328,502, plus strand): 5'-TGTTGAAACGTGCTGCTCTGGATGTTCCCTCTCAAGGCATATTTTGTCCTGTTTAGTGAG[T>A]TTCTCAAGACTCAGGATTCTTTCATCATCATCATCATCAGAATCTGAAATAATAATAACC-3'
Protein context (NP_055861.3, residues 1022-1042): DDDERILSLE[Lys1032Asn]LTKQDKICLE